The following is an entry in ClinVar:

NM_000218.3(KCNQ1):c.1201dup (p.Arg401fs)

Gene: KCNQ1 (potassium voltage-gated channel subfamily Q member 1; plus strand). Cytogenetic location: 11p15.5.
Variant type: Duplication.
Coding change: c.1201dup on transcript NM_000218.3 (MANE Select); coding-DNA position 1201, one base duplicated (C; older notation c.1201dupC).
Protein change: p.Arg401fs; shifts the reading frame from arginine 401.
Molecular consequence: frameshift variant.
Genome position (GRCh38, 1-based): chr11:2,587,642, C duplicated; the last of 6 consecutive C bases (chr11:2,587,637-2,587,642); duplicating any one gives the same sequence. VCF-style (leftmost placement, unchanged base first): chr11-2587636-G-GC. GRCh37 (hg19) VCF-style: chr11-2608866-G-GC.
Other names: c.1201dupC (NM_000218.2); c.1105dup, p.Arg369Profs (NM_001406836.1); c.931dup, p.Arg311Profs (NM_001406837.1); c.661dup, p.Arg221Profs (NM_001406838.1); c.820dup, p.Arg274Profs (NM_181798.2); short protein forms R401fs, R274fs.
Identifiers: ClinVar variation 52972 (VCV000052972.55), dbSNP rs397508082, ClinGen allele CA005505.

ClinVar aggregate classification (germline): Pathogenic. Review status: criteria provided, multiple submitters, no conflicts (2 of 4 stars). 7 submissions from 7 submitters: Pathogenic (7). Last evaluated 2026-05-29.

Conditions:
Cardiovascular phenotype. Identifiers: MedGen CN230736.
Cardiac arrhythmia. Also called: Cardiac rhythm disease; Arrhythmia. Identifiers: MedGen C0003811, MONDO:0007263, HP:0011675.
Long QT syndrome (LQTS). Identifiers: MedGen C0023976, MeSH D008133, MONDO:0002442. Disease mechanism: loss of function. Inheritance: Various modes of inheritance.
Long QT syndrome 1 (LQT1). Identifiers: Orphanet 101016, Orphanet 768, MedGen C4551647, MONDO:0100316, OMIM 192500, MONDO:0008646.

Submissions (7):

Victorian Clinical Genetics Services, Murdoch Childrens Research Institute
Classification: Pathogenic for Long QT syndrome 1. Last evaluated: 2026-05-29. Review status: criteria provided, single submitter. Criteria: ACMG Guidelines, 2015. Collection method: clinical testing. Allele origin: germline. Affected: yes.
Comment: This variant is classified as Pathogenic. Evidence in support of pathogenic classification: Variant is predicted to cause nonsense-mediated decay (NMD) and loss of protein (premature termination codon is located at least 54 nucleotides upstream of the final exon-exon junction); Variant is present in gnomAD <0.01 (v4: 13 heterozygote(s), 0 homozygote(s)); This variant has strong previous evidence of pathogenicity in unrelated individuals with Long QT syndrome 1 (ClinVar, PMIDs: 31765965, 24357532, 17470695, 25985138); Other NMD-predicted variants comparable to the one identified in this case have very strong previous evidence for pathogenicity (ClinVar, DECIPHER). Additional information: This variant is heterozygous; This gene is associated with both recessive and dominant disease. JLNS is characterized by congenital, bilateral deafness and variable degrees of QT prolongation, and is the only condition caused by biallelic variants (PMID: 28438721); Dominant negative, loss of function and gain of function are known mechanisms of disease in this gene. Gain of function variants result exclusively in short QT syndrome 2 (MIM#609621), while dominant negative and loss of function variants can cause long QT syndrome 1 (LQTS, MIM#192500), familial atrial fibrillation 3 (MIM#607554) as well as Jervell and Lange-Nielsen syndrome (JLNS, MIM#220400) (OMIM, PMIDs: 19632626, 28438721); The condition associated with this gene has incomplete penetrance (OMIM, PMID: 20301308); Inheritance information for this variant is not currently available in this individual.

Labcorp Genetics (formerly Invitae), Labcorp
Classification: Pathogenic for Long QT syndrome. Last evaluated: 2025-12-17. Review status: criteria provided, single submitter. Criteria: Invitae Variant Classification Sherloc (09022015). Collection method: clinical testing. Allele origin: germline.
Comment: This sequence change creates a premature translational stop signal (p.Arg401Profs*62) in the KCNQ1 gene. It is expected to result in an absent or disrupted protein product. Loss-of-function variants in KCNQ1 are known to be pathogenic (PMID: 9323054, 19862833). The frequency data for this variant in the population databases is considered unreliable, as metrics indicate poor data quality at this position in the gnomAD database. This premature translational stop signal has been observed in individuals with long QT syndrome (PMID: 15840476, 17470695, 23631430, 24357532). ClinVar contains an entry for this variant (Variation ID: 52972). For these reasons, this variant has been classified as Pathogenic.

GeneDx
Classification: Pathogenic. Last evaluated: 2025-10-01. Review status: criteria provided, single submitter. Criteria: GeneDx Variant Classification Process June 2021. Collection method: clinical testing. Allele origin: germline. Affected: yes.
Comment: Frameshift variant predicted to result in protein truncation or nonsense mediated decay in a gene for which loss of function is a known mechanism of disease; Not observed at significant frequency in large population cohorts (gnomAD); This variant is associated with the following publications: (PMID: 22995991, 15840476, 24357532, 17470695, 23631430, 31765965, 34319147, 31737537, 24606995, 35647048)

Color Diagnostics, LLC DBA Color Health
Classification: Pathogenic for Cardiac arrhythmia. Last evaluated: 2025-07-08. Review status: criteria provided, single submitter. Criteria: ACMG Guidelines, 2015. Collection method: clinical testing. Allele origin: germline.
Comment: This variant (also known as P400fs*62 in the literature) inserts 1 nucleotide in exon 9 of the KCNQ1 gene, creating a frameshift and premature translation stop signal. This variant is expected to result in an absent or non-functional protein product. To our knowledge, functional studies have not been reported for this variant. This variant has been reported in multiple individuals affected with or suspected to be affected with long QT syndrome (PMID: 15840476, 17470695, 23631430, 24357532, 24606995, 31765965, 17470695, 23631430, 24357532, 31765965, 38489124). This variant has been identified in 1/251228 chromosomes in the general population by the Genome Aggregation Database (gnomAD). Loss of KCNQ1 function is a known mechanism of disease. Based on the available evidence, this variant is classified as Pathogenic.

All of Us Research Program, National Institutes of Health
Classification: Pathogenic for Long QT syndrome. Last evaluated: 2024-05-06. Review status: criteria provided, single submitter. Criteria: ACMG Guidelines, 2015. Collection method: clinical testing. Allele origin: germline. Inheritance: Autosomal dominant inheritance. Observed: 2 variant alleles, 2 heterozygotes.
Comment: The c.1201dup (p.Arg401Profs*62) variant in the exon 9 of KCNQ1 gene, that encodes for potassium voltage-gated channel subfamily Q member 1, creates a premature termination codon that is predicted to lead to absent or truncated protein product. This variant has been identified in several individuals (>10) affected with Long QT syndrome (LQTS) (PMID: 15840476, 17470695, 23631430, 24606995, 24357532, 19862833, 19716085, 31765965). Loss of function variants are known to be pathogenic for KCNQ1 gene (PMID: 26669661, 29532034, 23098067). This variant is found to be rare (1/251228; 0.00000398) in the general population database (gnomAD) and interpreted as pathogenic by several submitters in the ClinVar database (ClinVar ID: 52972). Therefore, the c.1201dup (p.Arg401Profs*62) variant in the KCNQ1 gene is classified as pathogenic.

This study involves interpretation of variants in research participants for the purpose of population health screening. Participant phenotype was not available at the time of variant classification. Additional details can be found in publication PMID: 35346344, PMCID: PMC8962531

CeGaT Center for Human Genetics Tuebingen
Classification: Pathogenic. Last evaluated: 2023-07-01. Review status: criteria provided, single submitter. Criteria: CeGaT Center For Human Genetics Tuebingen Variant Classification Criteria Version 2. Collection method: clinical testing. Allele origin: germline. Affected: yes. Observed: 1 variant allele.
Comment: KCNQ1: PVS1, PM2, PS4:Supporting

Ambry Genetics
Classification: Pathogenic for Cardiovascular phenotype. Last evaluated: 2022-08-29. Review status: criteria provided, single submitter. Criteria: Ambry Variant Classification Scheme 2023. Collection method: clinical testing. Allele origin: germline.
Comment: The c.1201dupC pathogenic mutation, located in coding exon 9 of the KCNQ1 gene, results from a duplication of C at nucleotide position 1201, causing a translational frameshift with a predicted alternate stop codon. This alteration has been reported in multiple individuals with long QT syndrome (Tester DJ et al. Heart Rhythm. 2005;2(5):507-17; Moss AJ et al. Circulation. 2007;115(19):2481-9; Lieve KV et al. Genet Test Mol Biomarkers. 2013;17(7):553-61; Torekov SS et al. Diabetes. 2014;63(4):1315-25). This variant is considered to be rare based on population cohorts in the Genome Aggregation Database (gnomAD). In addition to the clinical data presented in the literature, this alteration is expected to result in loss of function by premature protein truncation or nonsense-mediated mRNA decay. As such, this alteration is interpreted as a disease-causing mutation.

Literature cited by the submitters: PubMed 25985138 (cited by Victorian Clinical Genetics Services, Murdoch Childrens Research Institute); PubMed 19632626 (cited by Victorian Clinical Genetics Services, Murdoch Childrens Research Institute); PubMed 31765965 (cited by 3 submitters); PubMed 20301308 (cited by Victorian Clinical Genetics Services, Murdoch Childrens Research Institute); PubMed 24357532 (cited by 5 submitters); PubMed 17470695 (cited by 5 submitters); PubMed 28438721 (cited by Victorian Clinical Genetics Services, Murdoch Childrens Research Institute); PubMed 9323054 (cited by Labcorp Genetics (formerly Invitae), Labcorp); PubMed 19862833 (cited by Labcorp Genetics (formerly Invitae), Labcorp and All of Us Research Program, National Institutes of Health); PubMed 15840476 (cited by 4 submitters); PubMed 23631430 (cited by 4 submitters); PubMed 24606995 (cited by Color Diagnostics, LLC DBA Color Health and All of Us Research Program, National Institutes of Health); PubMed 38489124 (cited by Color Diagnostics, LLC DBA Color Health); PubMed 19716085 (cited by All of Us Research Program, National Institutes of Health); PubMed 23098067 (cited by All of Us Research Program, National Institutes of Health); PubMed 26669661 (cited by All of Us Research Program, National Institutes of Health); PubMed 29532034 (cited by All of Us Research Program, National Institutes of Health).